The following is an entry in ClinVar:

NM_001377265.1(MAPT):c.1008G>A (p.Ala336=)

Gene: MAPT (microtubule associated protein tau). Cytogenetic location: 17q21.31.
Variant type: single nucleotide variant.
Coding change: c.1008G>A on transcript NM_001377265.1 (MANE Select); coding-DNA position 1008, G replaced by A.
Protein change: p.Ala336=; no amino-acid change (alanine 336 retained).
Molecular consequence: synonymous variant. On other transcripts: intron variant (8).
Genome position (GRCh38, 1-based): chr17:45,983,587, G>A. VCF-style: chr17-45983587-G-A. GRCh37 (hg19) VCF-style: chr17-44060953-G-A.
Other names: c.783G>A, p.Ala261= (NM_001123066.4, NM_016835.5); c.1008G>A, p.Ala336= (NM_001377266.1); c.200-3453G>A (NM_001377268.1, NM_016834.5, NM_016841.5); c.374-3453G>A (NM_005910.6, NM_001203252.2); c.287-3453G>A (NM_001123067.4, NM_001203251.2, NM_001377267.1).
Identifiers: ClinVar variation 529745 (VCV000529745.15), dbSNP rs200385096, ClinGen allele CA8617755.

ClinVar aggregate classification (germline): Likely benign. Review status: criteria provided, multiple submitters, no conflicts (2 of 4 stars). 2 submissions from 2 submitters: Likely benign (2). Last evaluated 2026-07-01.

Conditions:
Frontotemporal dementia (FTD1). Also called: WILHELMSEN-LYNCH DISEASE; FRONTOTEMPORAL DEMENTIA WITH PARKINSONISM; FRONTOTEMPORAL LOBE DEMENTIA; MULTIPLE SYSTEM TAUOPATHY WITH PRESENILE DEMENTIA; FRONTOTEMPORAL LOBAR DEGENERATION WITH TAU INCLUSIONS; FTLD WITH TAU INCLUSIONS. Identifiers: Orphanet 282, MedGen C0338451, MONDO:0017276, OMIM 600274, HP:0002145.

Allele frequency attached by ClinVar (database versions not stated): ExAC 0.00005; gnomAD exomes 0.00005; gnomAD 0.00007 and 0.00008; TOPMed 0.00008; 1000 Genomes Project 30x 0.00016; 1000 Genomes Project 0.00020.
gnomAD v4.1: 109 of 1,613,212 alleles (0.0068%); highest among the groups gnomAD compares: Non-Finnish European, 0.0087%; 1 homozygote.

Submissions (2):

CeGaT Center for Human Genetics Tuebingen
Classification: Likely benign. Last evaluated: 2026-07-01. Review status: criteria provided, single submitter. Criteria: CeGaT Center For Human Genetics Tuebingen Variant Classification Criteria Version 2. Collection method: clinical testing. Allele origin: germline. Affected: yes. Observed: 2 variant alleles.
Comment: MAPT: BP4, BP7

Labcorp Genetics (formerly Invitae), Labcorp
Classification: Likely benign for Frontotemporal dementia. Last evaluated: 2024-02-17. Review status: criteria provided, single submitter. Criteria: Invitae Variant Classification Sherloc (09022015). Collection method: clinical testing. Allele origin: germline.